The following is an entry in ClinVar:

ClinVar aggregate classification (germline): Likely pathogenic (1 of 4 stars; one submission).

Conditions:
Neurofibromatosis, type 1 (NF1). Also called: VON RECKLINGHAUSEN DISEASE; Neurofibromatosis, type I; NEUROFIBROMATOSIS, TYPE I, SOMATIC; Peripheral type neurofibromatosis. Identifiers: Orphanet 636, MedGen C0027831, MONDO:0018975, OMIM 162200. Disease mechanism: loss of function.

Submission:

Labcorp Genetics (formerly Invitae), Labcorp
Classification: Likely pathogenic for Neurofibromatosis, type 1. Last evaluated: 2023-12-22. Review status: criteria provided, single submitter. Criteria: Invitae Variant Classification Sherloc (09022015). Collection method: clinical testing. Allele origin: germline.
Comment: This sequence change replaces leucine, which is neutral and non-polar, with valine, which is neutral and non-polar, at codon 1932 of the NF1 protein (p.Leu1932Val). This variant is not present in population databases (gnomAD no frequency). This missense change has been observed in individual(s) with NF1-related conditions (Invitae). Advanced modeling of protein sequence and biophysical properties (such as structural, functional, and spatial information, amino acid conservation, physicochemical variation, residue mobility, and thermodynamic stability) performed at Invitae indicates that this missense variant is expected to disrupt NF1 protein function with a positive predictive value of 95%. This variant disrupts the p.Leu1932 amino acid residue in NF1. Other variant(s) that disrupt this residue have been determined to be pathogenic (PMID: 2114220, 12522551, 31776437; Invitae). This suggests that this residue is clinically significant, and that variants that disrupt this residue are likely to be disease-causing. In summary, the currently available evidence indicates that the variant is pathogenic, but additional data are needed to prove that conclusively. Therefore, this variant has been classified as Likely Pathogenic.

Literature cited by the submitters: PubMed 2114220; PubMed 12522551; PubMed 31776437.

NM_001042492.3(NF1):c.5857C>G (p.Leu1953Val)

Gene: NF1 (neurofibromin 1; plus strand). Cytogenetic location: 17q11.2.
Variant type: single nucleotide variant.
Coding change: c.5857C>G on transcript NM_001042492.3 (MANE Select); coding-DNA position 5857, C replaced by G.
Protein change: p.Leu1953Val; replaces leucine 1953 with valine.
Molecular consequence: missense variant.
Genome position (GRCh38, 1-based): chr17:31,334,882, C>G. VCF-style: chr17-31334882-C-G. GRCh37 (hg19) VCF-style: chr17-29661900-C-G.
Other names: c.5794C>G, p.Leu1932Val (NM_000267.4); short protein forms L1932V, L1953V.
Identifiers: ClinVar variation 2802590 (VCV002802590.3), dbSNP rs1555534394, ClinGen allele CA399010653.